The following is an entry in ClinVar:

NM_000829.4(GRIA4):c.-9G>A

Gene: GRIA4 (glutamate ionotropic receptor AMPA type subunit 4; plus strand). Cytogenetic location: 11q22.3.
Variant type: single nucleotide variant.
Coding change: c.-9G>A on transcript NM_000829.4 (MANE Select); 9 bases upstream of the start codon, G replaced by A.
Molecular consequence: 5 prime UTR variant. On other transcripts: non-coding transcript variant (1).
Genome position (GRCh38, 1-based): chr11:105,610,989, G>A. VCF-style: chr11-105610989-G-A. GRCh37 (hg19) VCF-style: chr11-105481716-G-A.
Other names: c.-9G>A (NM_001077243.3, NM_001077244.2, NM_001112812.2).
Identifiers: ClinVar variation 3339263 (VCV003339263.1).

ClinVar aggregate classification (germline): Uncertain significance (1 of 4 stars; one submission).

gnomAD v4.1: 2 of 1,599,546 alleles (0.00013%); highest among the groups gnomAD compares: African/African-American, 0.0027%; no homozygotes.

Submission:

Women's Health and Genetics/Laboratory Corporation of America, LabCorp
Classification: Uncertain significance. Last evaluated: 2024-07-31. Review status: criteria provided, single submitter. Criteria: LabCorp Variant Classification Summary - May 2015. Collection method: clinical testing. Allele origin: germline.
Comment: Variant summary: GRIA4 c.-9G>A is located in the untranslated mRNA region upstream of the initiation codon. The variant was absent in 251098 control chromosomes (gnomAD). The available data on variant occurrences in the general population are insufficient to allow any conclusion about variant significance. To our knowledge, no occurrence of c.-9G>A in individuals affected with Neurodevelopmental Disorder With Or Without Seizures And Gait Abnormalities and no experimental evidence demonstrating its impact on protein function have been reported. No submitters have cited clinical-significance assessments for this variant to ClinVar. Based on the evidence outlined above, the variant was classified as uncertain significance.